The following is an entry in ClinVar:

NM_000051.4(ATM):c.8671+15C>G

Genes: ATM (ATM serine/threonine kinase; plus strand), C11orf65 (chromosome 11 open reading frame 65; minus strand). Cytogenetic location: 11q22.3.
Variant type: single nucleotide variant.
Coding change: c.8671+15C>G on transcript NM_000051.4 (MANE Select); 15 bases into the intron after coding-DNA position 8671, C replaced by G.
Molecular consequence: intron variant.
Genome position (GRCh38, 1-based): chr11:108,347,380, C>G. VCF-style: chr11-108347380-C-G. GRCh37 (hg19) VCF-style: chr11-108218107-C-G.
Other names: c.8671+15C>G (NM_001351834.2); c.641-38309G>C (NM_001330368.2); c.695-12088G>C (NM_001351110.2).
Identifiers: ClinVar variation 927409 (VCV000927409.9), dbSNP rs1438943849, ClinGen allele CA913188429.

ClinVar aggregate classification (germline): Conflicting classifications of pathogenicity. Review status: criteria provided, conflicting classifications (1 of 4 stars). 2 submissions from 2 submitters: Uncertain significance (1); Likely benign (1). Last evaluated 2025-05-08.

Conditions:
Hereditary cancer-predisposing syndrome. Also called: Tumor predisposition; Neoplastic Syndromes, Hereditary; Hereditary neoplastic syndrome; Hereditary Cancer Syndrome. Identifiers: Orphanet 140162, MedGen C0027672, MeSH D009386, MONDO:0015356.
Ataxia-telangiectasia syndrome (AT). Also called: Ataxia-telangiectasia, complementation group D; AT, COMPLEMENTATION GROUP C; ATAXIA-TELANGIECTASIA, COMPLEMENTATION GROUP A; ATAXIA-TELANGIECTASIA, FRESNO VARIANT; Ataxia-telangiectasia; Ataxia telangiectasia (A-T). Identifiers: Orphanet 100, MedGen C0004135, MONDO:0008840, OMIM 208900.

Submissions (2):

Labcorp Genetics (formerly Invitae), Labcorp
Classification: Likely benign for Ataxia-telangiectasia syndrome. Last evaluated: 2025-05-08. Review status: criteria provided, single submitter. Criteria: Invitae Variant Classification Sherloc (09022015). Collection method: clinical testing. Allele origin: germline.

Color Diagnostics, LLC DBA Color Health
Classification: Uncertain significance for Hereditary cancer-predisposing syndrome. Last evaluated: 2022-05-16. Review status: criteria provided, single submitter. Criteria: ACMG Guidelines, 2015. Collection method: clinical testing. Allele origin: germline.
Comment: This variant causes a C to G nucleotide substitution at the +15 position of intron 59 of the ATM gene. To our knowledge, functional studies have not been reported for this variant. This variant has not been reported in individuals affected with hereditary cancer in the literature. This variant has not been identified in the general population by the Genome Aggregation Database (gnomAD). The available evidence is insufficient to determine the role of this variant in disease conclusively. Therefore, this variant is classified as a Variant of Uncertain Significance.